The following is an entry in ClinVar:

ClinVar aggregate classification (germline): Conflicting classifications of pathogenicity. Review status: criteria provided, conflicting classifications (1 of 4 stars). 6 submissions from 6 submitters: Uncertain significance (3); Likely benign (2). 1 of the submissions does not count toward it. Last evaluated 2025-06-20.

Conditions:
Hereditary cancer-predisposing syndrome. Also called: Hereditary Cancer Syndrome; Hereditary neoplastic syndrome; Neoplastic Syndromes, Hereditary; Tumor predisposition. Identifiers: Orphanet 140162, MedGen C0027672, MeSH D009386, MONDO:0015356.
Hereditary breast ovarian cancer syndrome. Also called: Hereditary breast and ovarian cancer syndrome (HBOC); Breast and ovarian cancer; BRCA1- and BRCA2-Associated Hereditary Breast and Ovarian Cancer; Hereditary breast and/or ovarian cancer syndrome; Hereditary breast and ovarian cancer; Hereditary breast and ovarian cancer syndrome. Identifiers: Orphanet 145, MedGen C0677776, MeSH D061325, MONDO:0003582. Disease mechanism: loss of function.
Malignant tumor of breast. Also called: Malignant breast neoplasm; Cancer breast. Identifiers: MedGen C0006142, MONDO:0007254. Disease mechanism: loss of function.

Allele frequency attached by ClinVar (database versions not stated): gnomAD exomes below 0.00001.
gnomAD v4.1: 1 of 1,613,536 alleles (0.000062%); highest among the groups gnomAD compares: Non-Finnish European, 0.000085%; no homozygotes.

Submissions (6):

GeneDx
Classification: Uncertain significance. Last evaluated: 2025-06-20. Review status: criteria provided, single submitter. Criteria: GeneDx Variant Classification Process June 2021. Collection method: clinical testing. Allele origin: germline. Affected: yes.
Comment: Not observed at significant frequency in large population cohorts (gnomAD); In silico analysis suggests that this missense variant does not alter protein structure/function; Has not been previously published as pathogenic or benign to our knowledge; Also known as 5575A>G

Labcorp Genetics (formerly Invitae), Labcorp
Classification: Uncertain significance for Hereditary breast ovarian cancer syndrome. Last evaluated: 2025-01-19. Review status: criteria provided, single submitter. Criteria: Invitae Variant Classification Sherloc (09022015). Collection method: clinical testing. Allele origin: germline.
Comment: This sequence change replaces lysine, which is basic and polar, with glutamic acid, which is acidic and polar, at codon 1783 of the BRCA2 protein (p.Lys1783Glu). This variant is not present in population databases (gnomAD no frequency). This variant has not been reported in the literature in individuals affected with BRCA2-related conditions. ClinVar contains an entry for this variant (Variation ID: 433793). Invitae Evidence Modeling of protein sequence and biophysical properties (such as structural, functional, and spatial information, amino acid conservation, physicochemical variation, residue mobility, and thermodynamic stability) indicates that this missense variant is not expected to disrupt BRCA2 protein function with a negative predictive value of 95%. In summary, the available evidence is currently insufficient to determine the role of this variant in disease. Therefore, it has been classified as a Variant of Uncertain Significance.

Ambry Genetics
Classification: Likely benign for Hereditary cancer-predisposing syndrome. Last evaluated: 2024-05-24. Review status: criteria provided, single submitter. Criteria: Ambry Variant Classification Scheme 2023. Collection method: clinical testing. Allele origin: germline.

University of Washington Department of Laboratory Medicine, University of Washington
Classification: Likely benign for Hereditary cancer-predisposing syndrome. Last evaluated: 2023-03-23. Review status: criteria provided, single submitter. Criteria: Dines et al. (Genet Med. 2020). Collection method: curation. Allele origin: germline.
Comment: Missense variant in a coldspot region where missense variants are very unlikely to be pathogenic (PMID:31911673).

BRCA2 exon 11 coldspot. Reclassification based on statistical prior probability.

Quest Diagnostics Nichols Institute San Juan Capistrano
Classification: Uncertain significance. Last evaluated: 2019-08-16. Review status: criteria provided, single submitter. Criteria: Quest Diagnostics criteria. Collection method: clinical testing. Allele origin: germline.

Department of Pathology and Laboratory Medicine, Sinai Health System
Classification: Uncertain significance for Malignant tumor of breast. Review status: no assertion criteria provided. Collection method: clinical testing. Allele origin: unknown. Affected: yes. Study: The Canadian Open Genetics Repository (COGR). Not counted in ClinVar's aggregate classification.
Comment: The p.Lys1783Glu variant was not identified in the literature, nor was it identified in the dbSNP, NHLBI Exome Sequencing Project (Exome Variant Server), Exome Aggregation Consortium (ExAC) database, HGMD, LOVD, COSMIC, ClinVar, GeneInsight VariantWire, BIC or UMD. The variant occurs outside of the splicing consensus sequence and 1 of 5 in silico or computational prediction software programs (SpliceSiteFinder, MaxEntScan, NNSPLICE, GeneSplicer, HumanSpliceFinder) predict a greater than 10% difference in splicing but this is not very predictive of pathogenicity. Although the p.Lys1783 residue is conserved in mammals, four out of five computational analyses (PolyPhen-2, AlignGVGD, BLOSUM, MutationTaster) do not suggest a high likelihood of impact to the protein; however, this information is not predictive enough to rule out pathogenicity. In summary, based on the above information, the clinical significance of this variant cannot be determined with certainty at this time. This variant is classified as a variant of unknown significance.

NM_000059.4(BRCA2):c.5347A>G (p.Lys1783Glu)

Gene: BRCA2 (BRCA2 DNA repair associated; plus strand). Cytogenetic location: 13q13.1.
Variant type: single nucleotide variant.
Coding change: c.5347A>G on transcript NM_000059.4 (MANE Select); coding-DNA position 5347, A replaced by G.
Protein change: p.Lys1783Glu; replaces lysine 1783 with glutamic acid.
Molecular consequence: missense variant.
Genome position (GRCh38, 1-based): chr13:32,339,702, A>G. VCF-style: chr13-32339702-A-G. GRCh37 (hg19) VCF-style: chr13-32913839-A-G.
Other names: short protein forms K1783E.
Identifiers: ClinVar variation 433793 (VCV000433793.18), dbSNP rs1555284184, ClinGen allele CA387785018.